The following is an entry in ClinVar:

NM_004725.4(BUB3):c.362A>G (p.Lys121Arg)

Gene: BUB3 (BUB3 mitotic checkpoint protein; plus strand). Cytogenetic location: 10q26.13.
Variant type: single nucleotide variant.
Coding change: c.362A>G on transcript NM_004725.4 (MANE Select); coding-DNA position 362, A replaced by G.
Protein change: p.Lys121Arg; replaces lysine 121 with arginine.
Molecular consequence: missense variant.
Genome position (GRCh38, 1-based): chr10:123,157,825, A>G. VCF-style: chr10-123157825-A-G. GRCh37 (hg19) VCF-style: chr10-124917341-A-G.
Other names: c.362A>G, p.Lys121Arg (NM_001007793.3); short protein forms K121R.
Identifiers: ClinVar variation 3483270 (VCV003483270.1).

ClinVar aggregate classification (germline): Uncertain significance (1 of 4 stars; one submission).

Submission:

Ambry Genetics
Classification: Uncertain significance. Last evaluated: 2024-09-24. Review status: criteria provided, single submitter. Criteria: Ambry Variant Classification Scheme 2023. Collection method: clinical testing. Allele origin: germline.
Comment: The p.K121R variant (also known as c.362A>G), located in coding exon 3 of the BUB3 gene, results from an A to G substitution at nucleotide position 362. The lysine at codon 121 is replaced by arginine, an amino acid with highly similar properties. This amino acid position is conserved. In addition, this alteration is predicted to be tolerated by in silico analysis. Based on the available evidence, the clinical significance of this variant remains unclear.